The following is an entry in ClinVar:

NM_001009944.3(PKD1):c.4645C>T (p.Arg1549Trp)

Gene: PKD1 (polycystin 1, transient receptor potential channel interacting; minus strand). Cytogenetic location: 16p13.3.
Variant type: single nucleotide variant.
Coding change: c.4645C>T on transcript NM_001009944.3 (MANE Select); coding-DNA position 4645, C replaced by T.
Protein change: p.Arg1549Trp; replaces arginine 1549 with tryptophan.
Molecular consequence: missense variant.
Genome position (GRCh38, 1-based): chr16:2,110,522, G>A on the plus strand (C>T on the coding strand, the complement: PKD1 is on the minus strand). VCF-style: chr16-2110522-G-A. GRCh37 (hg19) VCF-style: chr16-2160523-G-A.
Other names: c.4645C>T, p.Arg1549Trp (NM_000296.4); c.4645C>T (NM_000296.3); short protein forms R1549W.
Identifiers: ClinVar variation 3350731 (VCV003350731.4).

ClinVar aggregate classification (germline): Conflicting classifications of pathogenicity. Review status: criteria provided, conflicting classifications (1 of 4 stars). 3 submissions from 3 submitters: Uncertain significance (1); Likely benign (2). Last evaluated 2026-03-21.

Conditions:
Inborn genetic diseases. Identifiers: MedGen C0950123, MeSH D030342.
PKD1-related disorder. Also called: PKD1-related condition.

gnomAD v4.1: 29 of 1,611,546 alleles (0.0018%); highest among the groups gnomAD compares: Admixed American, 0.012%; no homozygotes.

Submissions (3):

PreventionGenetics, part of Exact Sciences
Classification: Likely benign for PKD1-related condition. Last evaluated: 2026-03-21. Review status: criteria provided, single submitter. Criteria: ACMG Guidelines, 2015. Collection method: clinical testing. Allele origin: germline.
Comment: This variant is classified as likely benign based on ACMG/AMP sequence variant interpretation guidelines (Richards et al. 2015 PMID: 25741868, with internal and published modifications).

Ambry Genetics
Classification: Uncertain significance for Inborn genetic diseases. Last evaluated: 2025-04-03. Review status: criteria provided, single submitter. Criteria: Ambry Variant Classification Scheme 2023. Collection method: clinical testing. Allele origin: germline.

Blueprint Genetics
Classification: Likely benign. Last evaluated: 2024-11-04. Review status: criteria provided, single submitter. Criteria: ACMG Guidelines, 2015. Collection method: clinical testing. Allele origin: germline.